The following is an entry in ClinVar:

NM_003601.4(SMARCA5):c.622G>A (p.Gly208Ser)

Gene: SMARCA5 (SWI/SNF related, matrix associated, actin dependent regulator of chromatin, subfamily a, member 5; plus strand). Cytogenetic location: 4q31.21.
Variant type: single nucleotide variant.
Coding change: c.622G>A on transcript NM_003601.4 (MANE Select); coding-DNA position 622, G replaced by A.
Protein change: p.Gly208Ser; replaces glycine 208 with serine.
Molecular consequence: missense variant.
Genome position (GRCh38, 1-based): chr4:143,526,281, G>A. VCF-style: chr4-143526281-G-A. GRCh37 (hg19) VCF-style: chr4-144447434-G-A.
Other names: short protein forms G208S.
Identifiers: ClinVar variation 1700498 (VCV001700498.2), dbSNP rs2149818597, ClinGen allele CA358327506.

ClinVar aggregate classification (germline): Uncertain significance (1 of 4 stars; one submission).

Submission:

GeneDx
Classification: Uncertain significance. Last evaluated: 2022-02-07. Review status: criteria provided, single submitter. Criteria: GeneDx Variant Classification Process June 2021. Collection method: clinical testing. Allele origin: germline. Affected: yes.
Comment: Not observed at significant frequency in large population cohorts (gnomAD); In silico analysis supports that this missense variant has a deleterious effect on protein structure/function; Has not been previously published as pathogenic or benign to our knowledge